The following is an entry in ClinVar:

ClinVar aggregate classification (germline): Uncertain significance (1 of 4 stars; one submission).

gnomAD v4.1: 2 of 1,614,198 alleles (0.00012%); highest among the groups gnomAD compares: Non-Finnish European, 0.00017%; no homozygotes.

Submission:

CeGaT Center for Human Genetics Tuebingen
Classification: Uncertain significance. Last evaluated: 2024-04-01. Review status: criteria provided, single submitter. Criteria: CeGaT Center For Human Genetics Tuebingen Variant Classification Criteria Version 2. Collection method: clinical testing. Allele origin: germline. Affected: yes. Observed: 1 variant allele.
Comment: KMT2A: PM2, BP4

NM_001197104.2(KMT2A):c.7582A>G (p.Thr2528Ala)

Gene: KMT2A (lysine methyltransferase 2A; plus strand). Cytogenetic location: 11q23.3.
Variant type: single nucleotide variant.
Coding change: c.7582A>G on transcript NM_001197104.2 (MANE Select); coding-DNA position 7582, A replaced by G.
Protein change: p.Thr2528Ala; replaces threonine 2528 with alanine.
Molecular consequence: missense variant.
Genome position (GRCh38, 1-based): chr11:118,503,474, A>G. VCF-style: chr11-118503474-A-G. GRCh37 (hg19) VCF-style: chr11-118374189-A-G.
Other names: c.7672A>G, p.Thr2558Ala (NM_001412597.1); c.7573A>G, p.Thr2525Ala (NM_005933.4); short protein forms T2525A, T2528A, T2558A.
Identifiers: ClinVar variation 3239399 (VCV003239399.19), dbSNP rs1555046691.